The following is an entry in ClinVar:

ClinVar aggregate classification (germline): Uncertain significance. Review status: criteria provided, multiple submitters, no conflicts (2 of 4 stars). 8 submissions from 7 submitters: Uncertain significance (7). 1 of the submissions does not count toward it. Last evaluated 2023-11-04.

Conditions:
Usher syndrome type 2A. Also called: RETINAL DISEASE IN USHER SYNDROME TYPE IIA, MODIFIER OF; USHER SYNDROME, TYPE IIA. Identifiers: Orphanet 231178, Orphanet 886, MedGen C1848634, MONDO:0010169, OMIM 276901.
Retinal dystrophy. Also called: Inherited retinal dystrophy. Identifiers: Orphanet 71862, MedGen C0854723, MeSH D058499, MONDO:0019118, HP:0000556.
Retinitis pigmentosa 39 (RP39). Identifiers: Orphanet 791, MedGen C3151138, MONDO:0013436, OMIM 613809.

Allele frequency attached by ClinVar (database versions not stated): TOPMed 0.00002; gnomAD 0.00003; gnomAD exomes 0.00003; ExAC 0.00004; 1000 Genomes Project 30x 0.00016; 1000 Genomes Project 0.00020.
gnomAD v4.1: 53 of 1,613,770 alleles (0.0033%); highest among the groups gnomAD compares: East Asian, 0.018%; no homozygotes.

Submissions (8):

Genome-Nilou Lab
Classification: Uncertain significance for Retinitis pigmentosa 39. Last evaluated: 2023-11-04. Review status: criteria provided, single submitter. Criteria: ACMG Guidelines, 2015. Collection method: clinical testing. Allele origin: germline. Affected: no.

Genome-Nilou Lab
Classification: Uncertain significance for Usher syndrome type 2A. Last evaluated: 2023-11-04. Review status: criteria provided, single submitter. Criteria: ACMG Guidelines, 2015. Collection method: clinical testing. Allele origin: germline. Affected: no.

Dept Of Ophthalmology, Nagoya University
Classification: Uncertain significance for Retinal dystrophy. Last evaluated: 2023-10-01. Review status: criteria provided, single submitter. Criteria: Submitter's publication. Collection method: research. Allele origin: germline. Affected: yes.

Blueprint Genetics
Classification: Uncertain significance. Last evaluated: 2023-09-13. Review status: criteria provided, single submitter. Criteria: ACMG Guidelines, 2015. Collection method: clinical testing. Allele origin: germline.

GeneDx
Classification: Uncertain significance. Last evaluated: 2023-03-31. Review status: criteria provided, single submitter. Criteria: GeneDx Variant Classification Process June 2021. Collection method: clinical testing. Allele origin: germline. Affected: yes.
Comment: In silico analysis supports that this missense variant has a deleterious effect on protein structure/function; Has not been previously published as pathogenic or benign to our knowledge

Labcorp Genetics (formerly Invitae), Labcorp
Classification: Uncertain significance. Last evaluated: 2022-07-30. Review status: criteria provided, single submitter. Criteria: Invitae Variant Classification Sherloc (09022015). Collection method: clinical testing. Allele origin: germline.
Comment: This sequence change replaces threonine, which is neutral and polar, with methionine, which is neutral and non-polar, at codon 4234 of the USH2A protein (p.Thr4234Met). This variant is present in population databases (rs564240175, gnomAD 0.01%). This variant has not been reported in the literature in individuals affected with USH2A-related conditions. ClinVar contains an entry for this variant (Variation ID: 850897). Algorithms developed to predict the effect of missense changes on protein structure and function output the following: SIFT: "Tolerated"; PolyPhen-2: "Possibly Damaging"; Align-GVGD: "Class C0". The methionine amino acid residue is found in multiple mammalian species, which suggests that this missense change does not adversely affect protein function. In summary, the available evidence is currently insufficient to determine the role of this variant in disease. Therefore, it has been classified as a Variant of Uncertain Significance.

Fulgent Genetics
Classification: Uncertain significance for Usher syndrome type 2A; Retinitis pigmentosa 39. Last evaluated: 2021-08-25. Review status: criteria provided, single submitter. Criteria: ACMG Guidelines, 2015. Collection method: clinical testing. Allele origin: unknown.

Natera, Inc.
Classification: Uncertain significance for Usher syndrome type 2A. Last evaluated: 2020-01-24. Review status: no assertion criteria provided. Collection method: clinical testing. Allele origin: germline. Not counted in ClinVar's aggregate classification.

NM_206933.4(USH2A):c.12701C>T (p.Thr4234Met)

Gene: USH2A (usherin; minus strand). Cytogenetic location: 1q41.
Variant type: single nucleotide variant.
Coding change: c.12701C>T on transcript NM_206933.4 (MANE Select); coding-DNA position 12701, C replaced by T.
Protein change: p.Thr4234Met; replaces threonine 4234 with methionine.
Molecular consequence: missense variant.
Genome position (GRCh38, 1-based): chr1:215,675,210, G>A on the plus strand (C>T on the coding strand, the complement: USH2A is on the minus strand). VCF-style: chr1-215675210-G-A. GRCh37 (hg19) VCF-style: chr1-215848552-G-A.
Other names: short protein forms T4234M.
Identifiers: ClinVar variation 850897 (VCV000850897.10), dbSNP rs564240175, ClinGen allele CA1393419.